The following is an entry in ClinVar:

ClinVar aggregate classification (germline): Uncertain significance. Review status: criteria provided, multiple submitters, no conflicts (2 of 4 stars). 4 submissions from 4 submitters: Uncertain significance (3). 1 of the submissions does not count toward it. Last evaluated 2023-05-24.

Conditions:
Inborn genetic diseases. Identifiers: MedGen C0950123, MeSH D030342.
Retinitis pigmentosa 25 (RP25). Identifiers: Orphanet 791, MedGen C1864446, MONDO:0011272, OMIM 602772.

Allele frequency attached by ClinVar (database versions not stated): gnomAD 0.00001; gnomAD exomes 0.00001 and 0.00002.
gnomAD v4.1: 8 of 1,613,030 alleles (0.0005%); highest among the groups gnomAD compares: Non-Finnish European, 0.00068%; no homozygotes.

Submissions (4):

Ambry Genetics
Classification: Uncertain significance for Inborn genetic diseases. Last evaluated: 2023-05-24. Review status: criteria provided, single submitter. Criteria: Ambry Variant Classification Scheme 2023. Collection method: clinical testing. Allele origin: germline.

Labcorp Genetics (formerly Invitae), Labcorp
Classification: Uncertain significance. Last evaluated: 2021-09-01. Review status: criteria provided, single submitter. Criteria: Invitae Variant Classification Sherloc (09022015). Collection method: clinical testing. Allele origin: germline.
Comment: This sequence change replaces cysteine with serine at codon 461 of the EYS protein (p.Cys461Ser). The cysteine residue is moderately conserved and there is a moderate physicochemical difference between cysteine and serine. This variant is not present in population databases (ExAC no frequency). This variant has not been reported in the literature in individuals affected with EYS-related conditions. Algorithms developed to predict the effect of missense changes on protein structure and function output the following: SIFT: "Tolerated"; PolyPhen-2: "Benign"; Align-GVGD: "Class C0". The serine amino acid residue is found in multiple mammalian species, which suggests that this missense change does not adversely affect protein function. Algorithms developed to predict the effect of sequence changes on RNA splicing suggest that this variant may create or strengthen a splice site. In summary, the available evidence is currently insufficient to determine the role of this variant in disease. Therefore, it has been classified as a Variant of Uncertain Significance.

CeGaT Center for Human Genetics Tuebingen
Classification: Uncertain significance. Last evaluated: 2020-11-01. Review status: criteria provided, single submitter. Criteria: CeGaT Center For Human Genetics Tuebingen Variant Classification Criteria Version 2. Collection method: clinical testing. Allele origin: germline. Affected: yes. Observed: 1 variant allele.

Natera, Inc.
Classification: Uncertain significance for Retinitis pigmentosa type 25. Last evaluated: 2020-11-20. Review status: no assertion criteria provided. Collection method: clinical testing. Allele origin: germline. Not counted in ClinVar's aggregate classification.

NM_001142800.2(EYS):c.1381T>A (p.Cys461Ser)

Gene: EYS (EGF-like photoreceptor maintenance factor; minus strand). Cytogenetic location: 6q12.
Variant type: single nucleotide variant.
Coding change: c.1381T>A on transcript NM_001142800.2 (MANE Select); coding-DNA position 1381, T replaced by A.
Protein change: p.Cys461Ser; replaces cysteine 461 with serine.
Molecular consequence: missense variant.
Genome position (GRCh38, 1-based): chr6:65,353,536, A>T on the plus strand (T>A on the coding strand, the complement: EYS is on the minus strand). VCF-style: chr6-65353536-A-T. GRCh37 (hg19) VCF-style: chr6-66063429-A-T.
Other names: c.1381T>A (NM_001142800.1); c.1381T>A, p.Cys461Ser (NM_001142801.2, NM_001292009.2, NM_198283.2); short protein forms C461S.
Identifiers: ClinVar variation 1013297 (VCV001013297.42), dbSNP rs1471424153, ClinGen allele CA364661773.
Genomic context (GRCh38, chr6:65,353,536, plus strand): 5'-ACACATATTCAAATTGAGCAGGACCTTTATCTTGGCAAATACCATGGAAGGTGACTCCAC[A>T]GTAGCAGAGGTGTTGATGAATTAGGTAAACATTCTTCAAAAACCAACATGGATTTTTTGT-3'
Protein context (NP_001136272.1, residues 451-471): VYLIHQHLCY[Cys461Ser]GVTFHGICQD